The following is an entry in ClinVar:

NM_003680.4(YARS1):c.684+118C>G

Gene: YARS1 (tyrosyl-tRNA synthetase 1; minus strand). Cytogenetic location: 1p35.1.
Variant type: single nucleotide variant.
Coding change: c.684+118C>G on transcript NM_003680.4 (MANE Select); 118 bases into the intron after coding-DNA position 684, C replaced by G.
Molecular consequence: intron variant.
Genome position (GRCh38, 1-based): chr1:32,791,044, G>C on the plus strand (C>G on the coding strand, the complement: YARS1 is on the minus strand). VCF-style: chr1-32791044-G-C. GRCh37 (hg19) VCF-style: chr1-33256645-G-C.
Identifiers: ClinVar variation 670889 (VCV000670889.2), dbSNP rs881393, ClinGen allele CA15095561.

ClinVar aggregate classification (germline): Benign. Review status: criteria provided, multiple submitters, no conflicts (2 of 4 stars). 2 submissions from 2 submitters: Benign (2). Last evaluated 2018-06-14.

Allele frequency attached by ClinVar (database versions not stated): 1000 Genomes Project 0.14916; 1000 Genomes Project 30x 0.15646; gnomAD 0.17426 and 0.18010; TOPMed 0.17984.
gnomAD v4.1: 131,342 of 951,894 alleles (14%); highest among the groups gnomAD compares: African/African-American, 26%; 10,708 homozygotes.

Submissions (2):

GeneDx
Classification: Benign. Last evaluated: 2018-06-14. Review status: criteria provided, single submitter. Criteria: GeneDx Variant Classification (06012015). Collection method: clinical testing. Allele origin: germline. Affected: yes.
Comment: This variant is considered likely benign or benign based on one or more of the following criteria: it is a conservative change, it occurs at a poorly conserved position in the protein, it is predicted to be benign by multiple in silico algorithms, and/or has population frequency not consistent with disease.

Breakthrough Genomics
Classification: Benign. Review status: criteria provided, single submitter. Criteria: ACMG Guidelines, 2015. Collection method: not provided. Allele origin: germline. Inheritance: Autosomal recessive inheritance. Affected: yes.